The following is an entry in ClinVar:

NM_000732.6(CD3D):c.275T>C (p.Met92Thr)

Gene: CD3D (CD3 delta subunit of T-cell receptor complex; minus strand). Cytogenetic location: 11q23.3.
Variant type: single nucleotide variant.
Coding change: c.275T>C on transcript NM_000732.6 (MANE Select); coding-DNA position 275, T replaced by C.
Protein change: p.Met92Thr; replaces methionine 92 with threonine.
Molecular consequence: missense variant. On other transcripts: intron variant (1).
Genome position (GRCh38, 1-based): chr11:118,339,906, A>G on the plus strand (T>C on the coding strand, the complement: CD3D is on the minus strand). VCF-style: chr11-118339906-A-G. GRCh37 (hg19) VCF-style: chr11-118210621-A-G.
Other names: c.275-412T>C (NM_001040651.2); short protein forms M92T.
Identifiers: ClinVar variation 1475297 (VCV001475297.6), dbSNP rs201266811, ClinGen allele CA6301942.

ClinVar aggregate classification (germline): Uncertain significance (1 of 4 stars; one submission).

Conditions:
Immunodeficiency 19 (IMD19). Also called: CD3-DELTA DEFICIENCY; SEVERE COMBINED IMMUNODEFICIENCY, T CELL-NEGATIVE, B CELL-POSITIVE, NK CELL-POSITIVE; SCID, T CELL-NEGATIVE, B CELL-POSITIVE, NK CELL-POSITIVE; IMMUNODEFICIENCY 19, SEVERE COMBINED. Identifiers: MedGen C3810147, MONDO:0014280, OMIM 615617.

Allele frequency attached by ClinVar (database versions not stated): gnomAD exomes below 0.00001 and 0.00001; ExAC 0.00002.
gnomAD v4.1: 6 of 1,614,008 alleles (0.00037%); highest among the groups gnomAD compares: Non-Finnish European, 0.00051%; no homozygotes.

Submission:

Labcorp Genetics (formerly Invitae), Labcorp
Classification: Uncertain significance for Immunodeficiency 19. Last evaluated: 2021-07-28. Review status: criteria provided, single submitter. Criteria: Invitae Variant Classification Sherloc (09022015). Collection method: clinical testing. Allele origin: germline.
Comment: In summary, the available evidence is currently insufficient to determine the role of this variant in disease. Therefore, it has been classified as a Variant of Uncertain Significance. Algorithms developed to predict the effect of missense changes on protein structure and function (SIFT, PolyPhen-2, Align-GVGD) all suggest that this variant is likely to be disruptive. This variant has not been reported in the literature in individuals affected with CD3D-related conditions. This variant is present in population databases (rs201266811, ExAC 0.005%). This sequence change replaces methionine with threonine at codon 92 of the CD3D protein (p.Met92Thr). The methionine residue is highly conserved and there is a moderate physicochemical difference between methionine and threonine.